The following is an entry in ClinVar:

NM_014855.3(AP5Z1):c.98A>G (p.Gln33Arg)

Gene: AP5Z1 (adaptor related protein complex 5 subunit zeta 1; plus strand). Cytogenetic location: 7p22.1.
Variant type: single nucleotide variant.
Coding change: c.98A>G on transcript NM_014855.3 (MANE Select); coding-DNA position 98, A replaced by G.
Protein change: p.Gln33Arg; replaces glutamine 33 with arginine.
Molecular consequence: missense variant. On other transcripts: 5 prime UTR variant (1), non-coding transcript variant (1).
Genome position (GRCh38, 1-based): chr7:4,781,231, A>G. VCF-style: chr7-4781231-A-G. GRCh37 (hg19) VCF-style: chr7-4820862-A-G.
Other names: c.-184A>G (NM_001364858.1); short protein forms Q33R.
Identifiers: ClinVar variation 2154652 (VCV002154652.5), dbSNP rs2534030464, ClinGen allele CA366673365.

ClinVar aggregate classification (germline): Uncertain significance. Review status: criteria provided, single submitter (1 of 4 stars). 2 submissions from 2 submitters: Uncertain significance (1). 1 of the submissions does not count toward it. Last evaluated 2022-02-20.

Conditions:
Hereditary spastic paraplegia 48. Also called: Spastic paraplegia 48; SPASTIC PARAPLEGIA 48, AUTOSOMAL RECESSIVE. Identifiers: Orphanet 306511, MedGen C3150901, MONDO:0013342, OMIM 613647.
Retinal dystrophy. Also called: Inherited retinal dystrophy. Identifiers: Orphanet 71862, MedGen C0854723, MeSH D058499, MONDO:0019118, HP:0000556.

Allele frequency attached by ClinVar (database versions not stated): gnomAD exomes below 0.00001.
gnomAD v4.1: 2 of 1,613,742 alleles (0.00012%); highest among the groups gnomAD compares: Non-Finnish European, 0.00017%; no homozygotes.

Submissions (2):

Labcorp Genetics (formerly Invitae), Labcorp
Classification: Uncertain significance for Hereditary spastic paraplegia 48. Last evaluated: 2022-02-20. Review status: criteria provided, single submitter. Criteria: Invitae Variant Classification Sherloc (09022015). Collection method: clinical testing. Allele origin: germline.
Comment: This variant has not been reported in the literature in individuals affected with AP5Z1-related conditions. This variant is not present in population databases (gnomAD no frequency). This sequence change replaces glutamine, which is neutral and polar, with arginine, which is basic and polar, at codon 33 of the AP5Z1 protein (p.Gln33Arg). In summary, the available evidence is currently insufficient to determine the role of this variant in disease. Therefore, it has been classified as a Variant of Uncertain Significance. Algorithms developed to predict the effect of missense changes on protein structure and function output the following: SIFT: "Tolerated"; PolyPhen-2: "Benign"; Align-GVGD: "Class C0". The arginine amino acid residue is found in multiple mammalian species, which suggests that this missense change does not adversely affect protein function.

Institute of Human Genetics, Univ. Regensburg, Univ. Regensburg
Classification: Uncertain significance for Retinal dystrophy. Last evaluated: 2022-01-01. Review status: no assertion criteria provided. Criteria: ACMG Guidelines, 2015. Collection method: clinical testing. Allele origin: germline. Affected: yes. Not counted in ClinVar's aggregate classification.